The following is an entry in ClinVar:

ClinVar aggregate classification (germline): Benign/Likely benign. Review status: criteria provided, multiple submitters, no conflicts (2 of 4 stars). 8 submissions from 8 submitters: Benign (4); Likely benign (3). 1 of the submissions does not count toward it. Last evaluated 2026-02-02.

Conditions:
Primary ciliary dyskinesia. Also called: Ciliary dyskinesia. Identifiers: Orphanet 244, MedGen C0008780, MONDO:0016575, HP:0012265.
Primary ciliary dyskinesia 9. Also called: CILIARY DYSKINESIA, PRIMARY, 9, WITH OR WITHOUT SITUS INVERSUS. Identifiers: Orphanet 244, MedGen C2676235, MONDO:0012906, OMIM 612444.

Allele frequency attached by ClinVar (database versions not stated): gnomAD exomes 0.00230; ExAC 0.00294; 1000 Genomes Project 30x 0.00593; 1000 Genomes Project 0.00619; gnomAD 0.00940 and 0.01015; ESP Exome Variant Server 0.01030; TOPMed 0.01040.

Submissions (8):

Labcorp Genetics (formerly Invitae), Labcorp
Classification: Benign for Primary ciliary dyskinesia. Last evaluated: 2026-02-02. Review status: criteria provided, single submitter. Criteria: Invitae Variant Classification Sherloc (09022015). Collection method: clinical testing. Allele origin: germline.

GeneDx
Classification: Likely benign. Last evaluated: 2021-05-06. Review status: criteria provided, single submitter. Criteria: GeneDx Variant Classification Process June 2021. Collection method: clinical testing. Allele origin: germline. Affected: yes.
Comment: See Variant Classification Assertion Criteria.

Illumina Laboratory Services, Illumina
Classification: Likely benign for Primary ciliary dyskinesia 9. Last evaluated: 2018-01-13. Review status: criteria provided, single submitter. Criteria: ICSL Variant Classification Criteria 13 December 2019. Collection method: clinical testing. Allele origin: germline.
Comment: This variant was observed in the ICSL laboratory as part of a predisposition screen in an ostensibly healthy population. It had not been previously curated by ICSL or reported in the Human Gene Mutation Database (HGMD: prior to June 1st, 2018), and was therefore a candidate for classification through an automated scoring system. Utilizing variant allele frequency, disease prevalence and penetrance estimates, and inheritance mode, an automated score was calculated to assess if this variant is too frequent to cause the disease. Based on the score and internal cut-off values, a variant classified as likely benign is not then subjected to further curation. The score for this variant resulted in a classification of likely benign for this disease.

Ambry Genetics
Classification: Benign for Primary ciliary dyskinesia. Last evaluated: 2014-10-08. Review status: criteria provided, single submitter. Criteria: Ambry Variant Classification Scheme 2023. Collection method: clinical testing. Allele origin: germline.

Laboratory for Molecular Medicine, Mass General Brigham Personalized Medicine
Classification: Benign. Last evaluated: 2013-02-21. Review status: criteria provided, single submitter. Criteria: LMM Criteria. Collection method: clinical testing. Allele origin: germline. Observed: 1 variant allele.
Comment: Asp197Val in exon 5 of DNAI2: This variant is not expected to have clinical sign ificance because it has been identified in 3.0% (134/4406) of African American c hromosomes from a broad population by the NHLBI Exome Sequencing Project (dbSNP rs35636875).

Breakthrough Genomics
Classification: Likely benign. Review status: criteria provided, single submitter. Criteria: ACMG Guidelines, 2015. Collection method: not provided. Allele origin: germline. Inheritance: Autosomal recessive inheritance. Affected: yes.

PreventionGenetics, part of Exact Sciences
Classification: Benign. Review status: criteria provided, single submitter. Criteria: ACMG Guidelines, 2015. Collection method: clinical testing. Allele origin: germline.

Natera, Inc.
Classification: Likely benign for Primary ciliary dyskinesia. Last evaluated: 2019-12-04. Review status: no assertion criteria provided. Collection method: clinical testing. Allele origin: germline. Not counted in ClinVar's aggregate classification.

NM_023036.6(DNAI2):c.590A>T (p.Asp197Val)

Gene: DNAI2 (dynein axonemal intermediate chain 2; plus strand). Cytogenetic location: 17q25.1.
Variant type: single nucleotide variant.
Coding change: c.590A>T on transcript NM_023036.6 (MANE Select); coding-DNA position 590, A replaced by T.
Protein change: p.Asp197Val; replaces aspartic acid 197 with valine.
Molecular consequence: missense variant. On other transcripts: non-coding transcript variant (1).
Genome position (GRCh38, 1-based): chr17:74,289,716, A>T. VCF-style: chr17-74289716-A-T. GRCh37 (hg19) VCF-style: chr17-72285855-A-T.
Other names: c.590A>T, p.Asp197Val (NM_001172810.3, NM_001353167.2); short protein forms D197V.
Identifiers: ClinVar variation 226612 (VCV000226612.27), dbSNP rs35636875, ClinGen allele CA8745399.